The following is an entry in ClinVar:

ClinVar aggregate classification (germline): Uncertain significance (1 of 4 stars; one submission).

Conditions:
Inborn genetic diseases. Identifiers: MedGen C0950123, MeSH D030342.

gnomAD v4.1: 19 of 1,565,674 alleles (0.0012%); highest among the groups gnomAD compares: Non-Finnish European, 0.0017%; no homozygotes.

Submission:

Ambry Genetics
Classification: Uncertain significance for Inborn genetic diseases. Last evaluated: 2025-08-07. Review status: criteria provided, single submitter. Criteria: Ambry Variant Classification Scheme 2023. Collection method: clinical testing. Allele origin: germline.
Comment: The p.E93Q variant (also known as c.277G>C), located in coding exon 3 of the BMPR2 gene, results from a G to C substitution at nucleotide position 277. The glutamic acid at codon 93 is replaced by glutamine, an amino acid with highly similar properties. This amino acid position is conserved. In addition, the in silico prediction for this alteration is inconclusive. Based on the available evidence, the clinical significance of this variant remains unclear.

NM_001204.7(BMPR2):c.277G>C (p.Glu93Gln)

Gene: BMPR2 (bone morphogenetic protein receptor type 2; plus strand). Cytogenetic location: 2q33.1.
Variant type: single nucleotide variant.
Coding change: c.277G>C on transcript NM_001204.7 (MANE Select); coding-DNA position 277, G replaced by C.
Protein change: p.Glu93Gln; replaces glutamic acid 93 with glutamine.
Molecular consequence: missense variant.
Genome position (GRCh38, 1-based): chr2:202,467,548, G>C. VCF-style: chr2-202467548-G-C. GRCh37 (hg19) VCF-style: chr2-203332271-G-C.
Other names: short protein forms E93Q.
Identifiers: ClinVar variation 4214486 (VCV004214486.1).